The following is an entry in ClinVar:

NM_005159.5(ACTC1):c.920T>C (p.Met307Thr)

Genes: GJD2-DT (GJD2 divergent transcript; plus strand), ACTC1 (actin alpha cardiac muscle 1; minus strand). Cytogenetic location: 15q14.
Variant type: single nucleotide variant.
Coding change: c.920T>C on transcript NM_005159.5 (MANE Select); coding-DNA position 920, T replaced by C.
Protein change: p.Met307Thr; replaces methionine 307 with threonine.
Molecular consequence: missense variant.
Genome position (GRCh38, 1-based): chr15:34,791,184, A>G on the plus strand (T>C on the coding strand, the complement: ACTC1 is on the minus strand). VCF-style: chr15-34791184-A-G. GRCh37 (hg19) VCF-style: chr15-35083385-A-G.
Other names: c.920T>C, p.Met307Thr (NM_001406482.1, NM_001406483.1); c.785T>C, p.Met262Thr (NM_001406484.1); c.479T>C, p.Met160Thr (NM_001406485.1); short protein forms M160T, M262T, M307T.
Identifiers: ClinVar variation 3752492 (VCV003752492.2).

ClinVar aggregate classification (germline): Uncertain significance (1 of 4 stars; one submission).

Conditions:
Atrial septal defect 5 (ASD5). Identifiers: Orphanet 1478, MedGen C2748552, MONDO:0013011, OMIM 612794.
Hypertrophic cardiomyopathy 11. Also called: ACTC1-Related Familial Hypertrophic Cardiomyopathy. Identifiers: MedGen C2677506, MONDO:0012799, OMIM 612098.
Dilated cardiomyopathy 1R (CMD1R). Identifiers: Orphanet 154, Orphanet 54260, MedGen C3150681, MONDO:0013261, OMIM 613424.

gnomAD v4.1: 3 of 1,614,150 alleles (0.00019%); highest among the groups gnomAD compares: Admixed American, 0.0017%; no homozygotes.

Submission:

Labcorp Genetics (formerly Invitae), Labcorp
Classification: Uncertain significance for Dilated cardiomyopathy 1R; Hypertrophic cardiomyopathy 11; Atrial septal defect 5. Last evaluated: 2025-09-26. Review status: criteria provided, single submitter. Criteria: Invitae Variant Classification Sherloc (09022015). Collection method: clinical testing. Allele origin: germline.
Comment: This sequence change replaces methionine, which is neutral and non-polar, with threonine, which is neutral and polar, at codon 307 of the ACTC1 protein (p.Met307Thr). This variant is present in population databases (no rsID available, gnomAD 0.006%). This variant has not been reported in the literature in individuals affected with ACTC1-related conditions. ClinVar contains an entry for this variant (Variation ID: 3752492). Invitae Evidence Modeling of protein sequence and biophysical properties (such as structural, functional, and spatial information, amino acid conservation, physicochemical variation, residue mobility, and thermodynamic stability) indicates that this missense variant is not expected to disrupt ACTC1 protein function with a negative predictive value of 80%. In summary, the available evidence is currently insufficient to determine the role of this variant in disease. Therefore, it has been classified as a Variant of Uncertain Significance.